The following is an entry in ClinVar:

ClinVar aggregate classification (germline): Pathogenic (1 of 4 stars; one submission).

Conditions:
Inborn genetic diseases. Identifiers: MedGen C0950123, MeSH D030342.

Submission:

Ambry Genetics
Classification: Pathogenic for Inborn genetic diseases. Last evaluated: 2026-08-24. Review status: criteria provided, single submitter. Criteria: Ambry Variant Classification Scheme 2023. Collection method: clinical testing. Allele origin: germline.
Comment: The c.2146dupA (p.S716Kfs*2) alteration, located in exon 1 (coding exon 1) of the PCDH19 gene, consists of a duplication of A at position 2146, causing a translational frameshift with a predicted alternate stop codon after 2 amino acids. This variant is expected to result in loss of function by premature protein truncation or nonsense-mediated mRNA decay. This variant was not reported in population-based cohorts in the Genome Aggregation Database (gnomAD). This variant was reported in individual(s) with features consistent with PCDH19-related developmental and epileptic encephalopathy (Smith, 2018). Based on the available evidence, this alteration is classified as pathogenic.

Literature cited by the submitters: PubMed 29377098.

NM_001184880.2(PCDH19):c.2146dup (p.Ser716fs)

Gene: PCDH19 (protocadherin 19; minus strand). Cytogenetic location: Xq22.1.
Variant type: Duplication.
Coding change: c.2146dup on transcript NM_001184880.2 (MANE Select); coding-DNA position 2146, one base duplicated (A; older notation c.2146dupA).
Protein change: p.Ser716fs; shifts the reading frame from serine 716.
Molecular consequence: frameshift variant.
Genome position (GRCh38, 1-based): chrX:100,406,452, T duplicated on the plus strand (A on the coding strand, the reverse complement: PCDH19 is on the minus strand). VCF-style (leftmost placement, unchanged base first): chrX-100406451-C-CT. GRCh37 (hg19) VCF-style: chrX-99661449-C-CT.
Other names: c.2146dup, p.Arg716fs (NM_001105243.2, NM_020766.3); short protein forms R716fs, S716fs.
Identifiers: ClinVar variation 5026332 (VCV005026332.1).